The following is an entry in ClinVar:

ClinVar aggregate classification (germline): Conflicting classifications of pathogenicity. Review status: criteria provided, conflicting classifications (1 of 4 stars). 24 submissions from 24 submitters: Likely pathogenic (4); Uncertain significance (17). 3 of the submissions do not count toward it. Last evaluated 2026-09-15.

Conditions:
MYL2-related disorder. Also called: MYL2-related condition; MYL2-related disease; MYL2-related disorders.
Hypertrophic cardiomyopathy 10. Also called: MYL2-Related Familial Hypertrophic Cardiomyopathy; CARDIOMYOPATHY, HYPERTROPHIC, MID-LEFT VENTRICULAR CHAMBER TYPE, 2. Identifiers: MedGen C1834460, MONDO:0012112, OMIM 608758.
Myopathy, myofibrillar, 12, infantile-onset, with cardiomyopathy. Identifiers: MedGen C5561937, MONDO:0859168, OMIM 619424.
Cardiovascular phenotype. Identifiers: MedGen CN230736.
Cardiomyopathy (CMYO). Also called: Cardiomyopathies. Identifiers: Orphanet 167848, MedGen C0878544, MONDO:0004994, HP:0001638. Inheritance: Various modes of inheritance.
Dilated cardiomyopathy 1S (CMD1S). Identifiers: Orphanet 154, Orphanet 54260, MedGen C1834481, MONDO:0013262, OMIM 613426.
Primary dilated cardiomyopathy (DCM). Also called: Dilated Cardiomyopathy. Identifiers: Orphanet 217604, MedGen C0007193, MeSH D002311, MONDO:0005021, HP:0001644. Inheritance: Various modes of inheritance.
Hypertrophic cardiomyopathy. Also called: HYPERTROPHIC MYOCARDIOPATHY. Identifiers: Orphanet 217569, MedGen C0007194, MeSH D002312, MONDO:0005045, HP:0001639.

Allele frequency attached by ClinVar (database versions not stated): ExAC 0.00016; gnomAD exomes 0.00020 and 0.00044; gnomAD 0.00028 and 0.00029; TOPMed 0.00029; ESP Exome Variant Server 0.00038.
gnomAD v4.1: 675 of 1,613,870 alleles (0.042%); highest among the groups gnomAD compares: Non-Finnish European, 0.053%; 1 homozygote.

Submissions 1 to 8 of 25:

PreventionGenetics, part of Exact Sciences
Classification: Uncertain significance for MYL2-related condition. Last evaluated: 2026-09-15. Review status: criteria provided, single submitter. Criteria: ACMG Guidelines, 2015. Collection method: clinical testing. Allele origin: germline.
Comment: The MYL2 c.401A>C variant is predicted to result in the amino acid substitution p.Glu134Ala. This variant has been reported in several individuals with hypertrophic cardiomyopathy; however, pathogenicity has not been definitively established (Olivotto et al. 2008. PubMed ID: 18533079; Di Donna et al. 2010. PubMed ID: 20173211; Berge et al. 2013. PubMed ID: 24111713; Coppini et al. 2014. PubMed ID: 25524337). Functional studies indicate that the p.Glu134Ala variant affects actin binding in contraction (Burghardt et al. 2013. PubMed ID: 23343568). This variant is classified as likely pathogenic in one study (Amendola et al. 2015. PubMed ID: 25637381, Table S1) but interpreted as uncertain in another study (Dorschner et al. 2013. PubMed ID: 24055113, Table S1). This variant is reported in 0.035% of alleles in individuals of European (Non-Finnish) descent in gnomAD and documented in ClinVar with conflicting interpretations ranging from likely pathogenic to uncertain (Variation ID: 43475). At this time, the clinical significance of this variant is uncertain due to the absence of conclusive functional and genetic evidence.

Women's Health and Genetics/Laboratory Corporation of America, LabCorp
Classification: Uncertain significance. Last evaluated: 2026-06-17. Review status: criteria provided, single submitter. Criteria: LabCorp Variant Classification Summary - May 2015. Collection method: clinical testing. Allele origin: germline.
Comment: Variant summary: MYL2 c.401A>C (p.Glu134Ala) results in a non-conservative amino acid change in the encoded protein sequence. Algorithms developed to predict the effect of missense changes on protein structure and function all suggest that this variant is likely to be disruptive. Several computational tools predict a significant impact on normal splicing: Three predict the variant weakens a 5' donor site. One predict the variant abolishes a 5' splicing donor site. However, these predictions have yet to be confirmed by functional studies. The variant allele was found at a frequency of 0.0002 in 252090 control chromosomes. The observed variant frequency exceeds the estimated maximal expected allele frequency for disease-causing variants in MYL2. c.401A>C has been observed in individual(s) affected with MYL2-related conditions (e.g. Olivotto_2008, Berge_2013, Coppini_2014, Di_2010, Lopes_2013, Bick_2012, Cecconi_2016, McGurk_2023). These report(s) do not provide unequivocal conclusions about association of the variant with disease. At least one publication reports experimental evidence evaluating an impact on protein function (Burghardt_2013). The results show that the variant impacts protein function. The following publications have been ascertained in the context of this evaluation (PMID: 18533079, 20173211, 23396983, 22958901, 24111713, 25524337, 23343568, 27600940, 37652022). ClinVar contains an entry for this variant (Variation ID: 43475). Based on the evidence outlined above, the variant was classified as uncertain significance.

CeGaT Center for Human Genetics Tuebingen
Classification: Uncertain significance. Last evaluated: 2026-05-01. Review status: criteria provided, single submitter. Criteria: CeGaT Center For Human Genetics Tuebingen Variant Classification Criteria Version 2. Collection method: clinical testing. Allele origin: germline. Affected: yes. Observed: 1 variant allele.
Comment: MYL2: PS3:Supporting

Institute of Immunology and Genetics Kaiserslautern
Classification: Likely pathogenic for Hypertrophic cardiomyopathy 10; Myopathy, myofibrillar, 12, infantile-onset, with cardiomyopathy. Last evaluated: 2025-10-02. Review status: criteria provided, single submitter. Criteria: ACMG Guidelines, 2015. Collection method: clinical testing. Allele origin: germline. Affected: yes.
Comment: ACMG Criteria: PS3, PP3, PP5; Variant was found in heterozygous state.

Mayo Clinic Laboratories, Mayo Clinic
Classification: Uncertain significance. Last evaluated: 2025-08-03. Review status: criteria provided, single submitter. Criteria: ACMG Guidelines, 2015. Collection method: clinical testing. Allele origin: germline. Observed: 2 variant alleles.
Comment: PP3_strong

Molecular Diagnostic Laboratory for Inherited Cardiovascular Disease, Montreal Heart Institute
Classification: Uncertain significance for Cardiovascular phenotype. Last evaluated: 2025-04-08. Review status: criteria provided, single submitter. Criteria: ACMG Guidelines, 2015. Collection method: clinical testing. Allele origin: germline. Affected: yes.

Ambry Genetics
Classification: Uncertain significance for Cardiovascular phenotype. Last evaluated: 2025-02-25. Review status: criteria provided, single submitter. Criteria: Ambry Variant Classification Scheme 2023. Collection method: clinical testing. Allele origin: germline.
Comment: The p.E134A variant (also known as c.401A>C), located in coding exon 6 of the MYL2 gene, results from an A to C substitution at nucleotide position 401. The glutamic acid at codon 134 is replaced by alanine, an amino acid with dissimilar properties. This variant has been reported in hypertrophic cardiomyopathy, dilated cardiomyopathy, and sudden cardiac arrest cohorts; however, in several cases clinical detail was limited, this variant was reported to co-occur with other cardiac-related genes, and/or this variant was also detected in unaffected family members (Olivotto I et al. Mayo Clin Proc. 2008;83:630-8; Di Donna P et al. Europace. 2010;12:347-55; Berge KE et al. Clin Genet. 2014;86:355-60; Cecconi M et al. Int J Mol Med. 2016;38(4):1111-24; Stpie-Wojno M et al. Pol Arch Intern Med. 2018;12; Mademont-Soler I et al. PLoS ONE. 2017;12(8):e0181465; Klauke B et al. PLoS One, 2017 Dec;12:e0189489;; Gavotto A et al. BMC Pediatr, 2019 11;19:462). This variant has also been detected in population-based cohorts and exome cohorts with unclear cardiovascular history (Bick AG. Am J Hum Genet. 2012;91(3):513-9; Andreasen C et al. Eur J Hum Genet. 2013;21:918-28; Dorschner MO et al. Am J Hum Genet. 2013 Oct;93:631-40). An in vitro study suggested that this alteration may reduce actin binding (Burghardt TP et al. Biochemistry. 2013;52:1249-59). This amino acid position is highly conserved in available vertebrate species. In addition, this alteration is predicted to be deleterious by in silico analysis. Since supporting evidence is limited at this time, the clinical significance of this alteration remains unclear.

Labcorp Genetics (formerly Invitae), Labcorp
Classification: Uncertain significance for Hypertrophic cardiomyopathy 10. Last evaluated: 2025-02-02. Review status: criteria provided, single submitter. Criteria: Invitae Variant Classification Sherloc (09022015). Collection method: clinical testing. Allele origin: germline.
Comment: This sequence change replaces glutamic acid, which is acidic and polar, with alanine, which is neutral and non-polar, at codon 134 of the MYL2 protein (p.Glu134Ala). This variant is present in population databases (rs143139258, gnomAD 0.03%). This missense change has been observed in individual(s) with hypertrophic cardiomyopathy (PMID: 20173211, 24111713, 25524337, 27483260, 27600940, 37652022). ClinVar contains an entry for this variant (Variation ID: 43475). An algorithm developed to predict the effect of missense changes on protein structure and function (PolyPhen-2) suggests that this variant is likely to be disruptive. Experimental studies have shown that this missense change affects MYL2 function (PMID: 23343568). Algorithms developed to predict the effect of sequence changes on RNA splicing suggest that this variant may disrupt the consensus splice site. In summary, the available evidence is currently insufficient to determine the role of this variant in disease. Therefore, it has been classified as a Variant of Uncertain Significance.

NM_000432.4(MYL2):c.401A>C (p.Glu134Ala)

Gene: MYL2 (myosin light chain 2; minus strand). Cytogenetic location: 12q24.11.
Variant type: single nucleotide variant.
Coding change: c.401A>C on transcript NM_000432.4 (MANE Select); coding-DNA position 401, A replaced by C.
Protein change: p.Glu134Ala; replaces glutamic acid 134 with alanine.
Molecular consequence: missense variant.
Genome position (GRCh38, 1-based): chr12:110,913,097, T>G on the plus strand (A>C on the coding strand, the complement: MYL2 is on the minus strand). VCF-style: chr12-110913097-T-G. GRCh37 (hg19) VCF-style: chr12-111350901-T-G.
Other names: short protein forms E134A.
Identifiers: ClinVar variation 43475 (VCV000043475.61), dbSNP rs143139258, ClinGen allele CA010278.
Genomic context (GRCh38, chr12:110,913,097, plus strand): 5'-CCCCCCAGAAGGAGAACCCAGGAGCTGGGTTAGAGGGAGTGCTTGAAGGACCCCATTACC[T>G]CCTCCTTGGAAAACCTCTCCGCCTGCGTGGTCAGCATTTCCCGAACGCTGCAGAGAAAGG-3'
Protein context (NP_000423.2, residues 124-144): TTQAERFSKE[Glu134Ala]VDQMFAAFPP